The following is an entry in ClinVar:

NM_002294.3(LAMP2):c.293G>A (p.Trp98Ter)

Gene: LAMP2 (lysosome associated membrane protein 2; minus strand). Cytogenetic location: Xq24.
Variant type: single nucleotide variant.
Coding change: c.293G>A on transcript NM_002294.3 (MANE Select); coding-DNA position 293, G replaced by A.
Protein change: p.Trp98Ter; replaces tryptophan 98 with a stop codon.
Molecular consequence: nonsense.
Genome position (GRCh38, 1-based): chrX:120,455,461, C>T on the plus strand (G>A on the coding strand, the complement: LAMP2 is on the minus strand). VCF-style: chrX-120455461-C-T. GRCh37 (hg19) VCF-style: chrX-119589316-C-T.
Other names: p.W98*:TGG>TAG; c.293G>A, p.Trp98Ter (NM_001122606.1, NM_013995.2); short protein forms W98*.
Identifiers: ClinVar variation 44423 (VCV000044423.15), dbSNP rs397516740, ClinGen allele CA134089.
Genomic context (GRCh38, chrX:120,455,461, plus strand): 5'-TAGGAAAATGAGACGCTGTCAATTGAATAAGTAGATGCTGCCTTGGTAAAATTCGCAATC[C>T]AGGAAAAGCCAGGTCCGAACTGCACTGCTATTTTGGGACCATTCTGATCATCCCCACAAA-3'

ClinVar aggregate classification (germline): Pathogenic. Review status: criteria provided, multiple submitters, no conflicts (2 of 4 stars). 4 submissions from 4 submitters: Pathogenic (4). Last evaluated 2021-01-19.

Conditions:
Danon disease. Also called: PSEUDOGLYCOGENOSIS II; GSD IIb; LYSOSOMAL GLYCOGEN STORAGE DISEASE WITHOUT ACID MALTASE DEFICIENCY; Glycogen Storage Disease Type IIb; ANTOPOL DISEASE. Identifiers: Orphanet 34587, MedGen C0878677, MONDO:0010281, OMIM 300257.

Submissions (5):

Labcorp Genetics (formerly Invitae), Labcorp
Classification: Pathogenic for Danon disease. Last evaluated: 2021-01-19. Review status: criteria provided, single submitter. Criteria: Invitae Variant Classification Sherloc (09022015). Collection method: clinical testing. Allele origin: germline.
Comment: For these reasons, this variant has been classified as Pathogenic. Algorithms developed to predict the effect of sequence changes on RNA splicing suggest that this variant may create or strengthen a splice site, but this prediction has not been confirmed by published transcriptional studies. This nonsense change has been observed in individual(s) with clinical features of Danon disease (PMID: 16565504). ClinVar contains an entry for this variant (Variation ID: 44423). This variant is not present in population databases (ExAC no frequency). This sequence change creates a premature translational stop signal (p.Trp98*) in the LAMP2 gene. It is expected to result in an absent or disrupted protein product. Loss-of-function variants in LAMP2 are known to be pathogenic (PMID: 21415759).

GeneDx
Classification: Pathogenic. Last evaluated: 2017-04-06. Review status: criteria provided, single submitter. Criteria: GeneDx Variant Classification (06012015). Collection method: clinical testing. Allele origin: germline. Affected: yes.
Comment: p.Trp98Ter (TGG>TAG): c.293 G>A in exon 3 of the LAMP2 gene (NM_002294.2). The Trp98Ter mutation in the LAMP2 gene has been reported previously in association with Danon disease (Fanin M et al., 2006; Boucek D et al., 2011; Miani D et al., 2012). Moreover, the Trp98Stop mutation is predicted to cause loss of normal protein function either through premature protein truncation or nonsense-mediated mRNA decay. Therefore, Trp98Stop in the LAMP2 gene is interpreted to be a disease-causing mutation. The variant is found in HCM panel(s).

Laboratory for Molecular Medicine, Mass General Brigham Personalized Medicine
Classification: Pathogenic for Danon disease. Last evaluated: 2015-03-18. Review status: criteria provided, single submitter. Criteria: LMM Criteria. Collection method: clinical testing. Allele origin: germline. Observed: 1 variant allele.

Stanford Center for Inherited Cardiovascular Disease, Stanford University
Classification: Pathogenic. Last evaluated: 2013-01-31. Review status: criteria provided, single submitter. Criteria: ACMG Guidelines, 2015. Collection method: provider interpretation. Allele origin: germline.

Dr. Peter K. Rogan Lab, Western University
No classification provided (evidence only). Condition: Nonpapillary renal cell carcinoma. Review status: no classification provided. Collection method: in vitro. Allele origin: not applicable. Functional consequence: retained intron. Not counted in ClinVar's aggregate classification.

Literature cited by the submitters: PubMed 16565504 (cited by Labcorp Genetics (formerly Invitae), Labcorp and Laboratory for Molecular Medicine, Mass General Brigham Personalized Medicine); PubMed 21415759 (cited by Labcorp Genetics (formerly Invitae), Labcorp); PubMed 18312451 (cited by Laboratory for Molecular Medicine, Mass General Brigham Personalized Medicine).